The following is an entry in ClinVar:

NM_001394062.1(MACF1):c.19979C>T (p.Ala6660Val)

Gene: MACF1 (microtubule actin crosslinking factor 1; plus strand). Cytogenetic location: 1p34.3.
Variant type: single nucleotide variant.
Coding change: c.19979C>T on transcript NM_001394062.1 (MANE Select); coding-DNA position 19979, C replaced by T.
Protein change: p.Ala6660Val; replaces alanine 6660 with valine.
Molecular consequence: missense variant.
Genome position (GRCh38, 1-based): chr1:39,448,043, C>T. VCF-style: chr1-39448043-C-T. GRCh37 (hg19) VCF-style: chr1-39913715-C-T.
Other names: c.8057C>T, p.Ala2686Val (NM_001397473.1); c.13802C>T, p.Ala4601Val (NM_012090.5); short protein forms A2686V, A4601V, A6660V.
Identifiers: ClinVar variation 2663131 (VCV002663131.1), dbSNP rs1644263721, ClinGen allele CA339820330.
Genomic context (GRCh38, chr1:39,448,043, plus strand): 5'-GTATAGTGTGTATATTCATTCCTGTTAACTTATTTCTTATGTAATTTTAGTTCCATGAAG[C>T]TTGGAAAAAACTGATTGACTGGCTAGAAGATGCAGAGAGTCACCTGGACTCAGAACTAGA-3'
Protein context (NP_001380991.1, residues 6650-6670): ARKRAKQFHE[Ala6660Val]WKKLIDWLED

ClinVar aggregate classification (germline): Uncertain significance (1 of 4 stars; one submission).

Allele frequency attached by ClinVar (database versions not stated): gnomAD exomes below 0.00001; TOPMed below 0.00001.
gnomAD v4.1: 1 of 1,613,946 alleles (0.000062%); no homozygotes.

Submission:

GeneDx
Classification: Uncertain significance. Last evaluated: 2023-05-10. Review status: criteria provided, single submitter. Criteria: GeneDx Variant Classification Process June 2021. Collection method: clinical testing. Allele origin: germline. Affected: yes.
Comment: Not observed at significant frequency in large population cohorts (gnomAD); In silico analysis supports that this missense variant has a deleterious effect on protein structure/function; Has not been previously published as pathogenic or benign to our knowledge